The following is an entry in ClinVar:

NM_170606.3(KMT2C):c.13406G>A (p.Gly4469Asp)

Gene: KMT2C (lysine methyltransferase 2C; minus strand). Cytogenetic location: 7q36.1.
Variant type: single nucleotide variant.
Coding change: c.13406G>A on transcript NM_170606.3 (MANE Select); coding-DNA position 13406, G replaced by A.
Protein change: p.Gly4469Asp; replaces glycine 4469 with aspartic acid.
Molecular consequence: missense variant.
Genome position (GRCh38, 1-based): chr7:152,148,521, C>T on the plus strand (G>A on the coding strand, the complement: KMT2C is on the minus strand). VCF-style: chr7-152148521-C-T. GRCh37 (hg19) VCF-style: chr7-151845606-C-T.
Other names: short protein forms G4469D.
Identifiers: ClinVar variation 2016021 (VCV002016021.4), dbSNP rs2129095383, ClinGen allele CA370091233.

ClinVar aggregate classification (germline): Uncertain significance (1 of 4 stars; one submission).

Submission:

Labcorp Genetics (formerly Invitae), Labcorp
Classification: Uncertain significance. Last evaluated: 2024-10-23. Review status: criteria provided, single submitter. Criteria: Invitae Variant Classification Sherloc (09022015). Collection method: clinical testing. Allele origin: germline.
Comment: This sequence change replaces glycine, which is neutral and non-polar, with aspartic acid, which is acidic and polar, at codon 4469 of the KMT2C protein (p.Gly4469Asp). This variant is not present in population databases (gnomAD no frequency). This variant has not been reported in the literature in individuals affected with KMT2C-related conditions. ClinVar contains an entry for this variant (Variation ID: 2016021). An algorithm developed to predict the effect of missense changes on protein structure and function (PolyPhen-2) suggests that this variant is likely to be disruptive. In summary, the available evidence is currently insufficient to determine the role of this variant in disease. Therefore, it has been classified as a Variant of Uncertain Significance.